The following is an entry in ClinVar:

NM_000090.4(COL3A1):c.1663-1G>A

Gene: COL3A1 (collagen type III alpha 1 chain; plus strand). Cytogenetic location: 2q32.2.
Variant type: single nucleotide variant.
Coding change: c.1663-1G>A on transcript NM_000090.4 (MANE Select); the canonical splice acceptor site of the intron before coding-DNA position 1663, G replaced by A.
Molecular consequence: splice acceptor variant.
Genome position (GRCh38, 1-based): chr2:188,996,397, G>A. VCF-style: chr2-188996397-G-A. GRCh37 (hg19) VCF-style: chr2-189861123-G-A.
Identifiers: ClinVar variation 994326 (VCV000994326.14), dbSNP rs749145939, ClinGen allele CA074541.

ClinVar aggregate classification (germline): Likely pathogenic. Review status: criteria provided, multiple submitters, no conflicts (2 of 4 stars). 2 submissions from 2 submitters: Likely pathogenic (2). Last evaluated 2023-11-13.

Conditions:
Ehlers-Danlos syndrome, type 4 (EDSVASC). Also called: Ehlers-Danlos syndrome vascular type; Ehlers Danlos syndrome, ecchymotic type; Ehlers Danlos syndrome, arterial type; Ehlers Danlos syndrome, Sack-Barabas type; Ehlers-Danlos Syndrome Type IV. Identifiers: Orphanet 286, MedGen C0268338, MONDO:0017314, OMIM 130050.

Allele frequency attached by ClinVar (database versions not stated): gnomAD exomes below 0.00001; ExAC 0.00001.

Submissions (2):

Labcorp Genetics (formerly Invitae), Labcorp
Classification: Likely pathogenic for Ehlers-Danlos syndrome, type 4. Last evaluated: 2023-11-13. Review status: criteria provided, single submitter. Criteria: Invitae Variant Classification Sherloc (09022015). Collection method: clinical testing. Allele origin: germline.
Comment: This sequence change affects an acceptor splice site in intron 23 of the COL3A1 gene. It is expected to disrupt RNA splicing. Variants that disrupt the donor or acceptor splice site typically lead to a loss of protein function (PMID: 16199547), and loss-of-function variants in COL3A1 are known to be pathogenic (PMID: 24922459). This variant is present in population databases (rs749145939, gnomAD 0.0009%). This variant has not been reported in the literature in individuals affected with COL3A1-related conditions. ClinVar contains an entry for this variant (Variation ID: 994326). Algorithms developed to predict the effect of sequence changes on RNA splicing suggest that this variant may disrupt the consensus splice site. In summary, the currently available evidence indicates that the variant is pathogenic, but additional data are needed to prove that conclusively. Therefore, this variant has been classified as Likely Pathogenic.

ARUP Laboratories, Molecular Genetics and Genomics, ARUP Laboratories
Classification: Likely pathogenic. Last evaluated: 2020-04-23. Review status: criteria provided, single submitter. Criteria: ARUP Molecular Germline Variant Investigation Process. Collection method: clinical testing. Allele origin: germline.
Comment: The COL3A1 c.1663-1G>A variant (rs749145939), to our knowledge, is not reported in the medical literature or gene-specific databases. This variant is found on a single chromosome in the Genome Aggregation Database (1/251084 alleles), indicating it is not a common polymorphism. This variant abolishes the canonical splice acceptor site of intron 23, which is likely to disrupt gene function. Based on available information, this variant is considered to be likely pathogenic.

Literature cited by the submitters: PubMed 16199547 (cited by Labcorp Genetics (formerly Invitae), Labcorp); PubMed 24922459 (cited by Labcorp Genetics (formerly Invitae), Labcorp).